The following is an entry in ClinVar:

NM_033641.4(COL4A6):c.3886C>T (p.Pro1296Ser)

Gene: COL4A6 (collagen type IV alpha 6 chain; minus strand). Cytogenetic location: Xq22.3.
Variant type: single nucleotide variant.
Coding change: c.3886C>T on transcript NM_033641.4 (MANE Select); coding-DNA position 3886, C replaced by T.
Protein change: p.Pro1296Ser; replaces proline 1296 with serine.
Molecular consequence: missense variant.
Genome position (GRCh38, 1-based): chrX:108,164,961, G>A on the plus strand (C>T on the coding strand, the complement: COL4A6 is on the minus strand). VCF-style: chrX-108164961-G-A. GRCh37 (hg19) VCF-style: chrX-107408191-G-A.
Other names: c.3889C>T (NM_001847.2, NM_001847.3); c.3937C>T, p.Pro1313Ser (NM_001287758.2); c.3814C>T, p.Pro1272Ser (NM_001287759.2, NM_001287760.2); c.3889C>T, p.Pro1297Ser (NM_001847.4); short protein forms P1297S, P1296S, P1313S, P1272S.
Identifiers: ClinVar variation 667558 (VCV000667558.13), dbSNP rs138267158, ClinGen allele CA10487300.
Genomic context (GRCh38, chrX:108,164,961, plus strand): 5'-GGCCAGAAAAACCTGGAATTCCTTGGTCTCCCTTAGGCCCTTTAGGTCCAGGAATTCCAG[G>A]GAAGCCAGGGTCTCCGGTGTCGCCTTGATTCGAGGATGGCCCAGGGGGACCTGGGGGTCC-3'
Protein context (NP_378667.1, residues 1286-1306): NQGDTGDPGF[Pro1296Ser]GIPGPKGPKG

ClinVar aggregate classification (germline): Conflicting classifications of pathogenicity. Review status: criteria provided, conflicting classifications (1 of 4 stars). 6 submissions from 6 submitters: Uncertain significance (3); Likely benign (2). 1 of the submissions does not count toward it. Last evaluated 2026-03-10.

Conditions:
COL4A6-related disorder. Also called: COL4A6-related condition.

Allele frequency attached by ClinVar (database versions not stated): ESP Exome Variant Server 0.00009; ExAC 0.00015; gnomAD exomes 0.00019 and 0.00029; gnomAD 0.00023 and 0.00027; TOPMed 0.00031.
gnomAD v4.1: 354 of 1,208,798 alleles (0.029%); highest among the groups gnomAD compares: Middle Eastern, 0.14%; 1 homozygote.

Submissions (6):

Women's Health and Genetics/Laboratory Corporation of America, LabCorp
Classification: Uncertain significance. Last evaluated: 2026-03-10. Review status: criteria provided, single submitter. Criteria: LabCorp Variant Classification Summary - May 2015. Collection method: clinical testing. Allele origin: germline.
Comment: Variant summary: COL4A6 c.3889C>T (p.Pro1297Ser) results in a non-conservative amino acid change in the encoded protein sequence. Algorithms developed to predict the effect of missense changes on protein structure and function all suggest that this variant is likely to be disruptive. The variant allele was found at a frequency of 0.00019 in 182669 control chromosomes, including 11 hemizygotes. This frequency is not significantly higher than estimated for disease-causing variants in COL4A6, allowing no conclusion about variant significance. To our knowledge, no occurrence of c.3889C>T in individuals affected with COL4A6-related conditions and no experimental evidence demonstrating its impact on protein function have been reported. ClinVar contains an entry for this variant (Variation ID: 667558). Based on the evidence outlined above, the variant was classified as uncertain significance.

Labcorp Genetics (formerly Invitae), Labcorp
Classification: Uncertain significance. Last evaluated: 2025-02-20. Review status: criteria provided, single submitter. Criteria: Invitae Variant Classification Sherloc (09022015). Collection method: clinical testing. Allele origin: germline.
Comment: This sequence change replaces proline, which is neutral and non-polar, with serine, which is neutral and polar, at codon 1297 of the COL4A6 protein (p.Pro1297Ser). This variant is present in population databases (rs138267158, gnomAD 0.04%), and has an allele count higher than expected for a pathogenic variant. This variant has not been reported in the literature in individuals affected with COL4A6-related conditions. ClinVar contains an entry for this variant (Variation ID: 667558). Invitae Evidence Modeling of protein sequence and biophysical properties (such as structural, functional, and spatial information, amino acid conservation, physicochemical variation, residue mobility, and thermodynamic stability) indicates that this missense variant is not expected to disrupt COL4A6 protein function with a negative predictive value of 80%. In summary, the available evidence is currently insufficient to determine the role of this variant in disease. Therefore, it has been classified as a Variant of Uncertain Significance.

Blueprint Genetics
Classification: Likely benign. Last evaluated: 2024-10-30. Review status: criteria provided, single submitter. Criteria: ACMG Guidelines, 2015. Collection method: clinical testing. Allele origin: germline.

Ambry Genetics
Classification: Uncertain significance. Last evaluated: 2024-08-28. Review status: criteria provided, single submitter. Criteria: Ambry Variant Classification Scheme 2023. Collection method: clinical testing. Allele origin: germline.

GeneDx
Classification: Likely benign. Last evaluated: 2018-05-23. Review status: criteria provided, single submitter. Criteria: GeneDx Variant Classification (06012015). Collection method: clinical testing. Allele origin: germline. Affected: yes.
Comment: This variant is considered likely benign or benign based on one or more of the following criteria: it is a conservative change, it occurs at a poorly conserved position in the protein, it is predicted to be benign by multiple in silico algorithms, and/or has population frequency not consistent with disease.

PreventionGenetics, part of Exact Sciences
Classification: Likely benign for COL4A6-related condition. Last evaluated: 2021-12-29. Review status: no assertion criteria provided. Collection method: clinical testing. Allele origin: germline. Not counted in ClinVar's aggregate classification.
Comment: This variant is classified as likely benign based on ACMG/AMP sequence variant interpretation guidelines (Richards et al. 2015 PMID: 25741868, with internal and published modifications).